The following is an entry in ClinVar:

ClinVar aggregate classification (germline): Pathogenic (1 of 4 stars; one submission).

Conditions:
Adams-Oliver syndrome 5 (AOS5). Identifiers: Orphanet 974, MedGen C4014970, MONDO:0014459, OMIM 616028.

Submission:

Labcorp Genetics (formerly Invitae), Labcorp
Classification: Pathogenic for Adams-Oliver syndrome 5. Last evaluated: 2023-03-08. Review status: criteria provided, single submitter. Criteria: Invitae Variant Classification Sherloc (09022015). Collection method: clinical testing. Allele origin: germline.
Comment: For these reasons, this variant has been classified as Pathogenic. This variant has not been reported in the literature in individuals affected with NOTCH1-related conditions. This variant is not present in population databases (gnomAD no frequency). This sequence change creates a premature translational stop signal (p.Ser1970Valfs*25) in the NOTCH1 gene. It is expected to result in an absent or disrupted protein product. Loss-of-function variants in NOTCH1 are known to be pathogenic (PMID: 16025100, 21457232, 25132448, 25963545).

Literature cited by the submitters: PubMed 16025100; PubMed 21457232; PubMed 25132448; PubMed 25963545.

NM_017617.5(NOTCH1):c.5906dup (p.Ser1970fs)

Gene: NOTCH1 (notch receptor 1; minus strand). Cytogenetic location: 9q34.3.
Variant type: Duplication.
Coding change: c.5906dup on transcript NM_017617.5 (MANE Select); coding-DNA position 5906, one base duplicated (T; older notation c.5906dupT).
Protein change: p.Ser1970fs; shifts the reading frame from serine 1970.
Molecular consequence: frameshift variant.
Genome position (GRCh38, 1-based): chr9:136,500,580, A duplicated on the plus strand (T on the coding strand, the reverse complement: NOTCH1 is on the minus strand). VCF-style (leftmost placement, unchanged base first): chr9-136500579-C-CA. GRCh37 (hg19) VCF-style: chr9-139395031-C-CA.
Other names: short protein forms S1970fs.
Identifiers: ClinVar variation 2844046 (VCV002844046.3), dbSNP rs2540427371, ClinGen allele CA2739264808.